The following is an entry in ClinVar:

NC_000019.9:g.(?_38948117)_(38980103_?)del

Gene: RYR1 (ryanodine receptor 1; plus strand). Cytogenetic location: 19q13.2.
Variant type: Deletion.
Identifiers: ClinVar variation 3248523 (VCV003248523.1).

ClinVar aggregate classification (germline): Pathogenic (1 of 4 stars; one submission).

Conditions:
RYR1-related disorder. Also called: RYR1-related disorders; RYR1-related condition. Identifiers: MedGen CN239331.

Submission:

Labcorp Genetics (formerly Invitae), Labcorp
Classification: Pathogenic for RYR1-related disorder. Last evaluated: 2023-07-25. Review status: criteria provided, single submitter. Criteria: Invitae Variant Classification Sherloc (09022015). Collection method: clinical testing. Allele origin: unknown.
Comment: This variant is a gross deletion of the genomic region encompassing exon(s) 17-35 of the RYR1 gene. This variant would be expected to be in-frame, preserving the integrity of the reading frame. This variant has not been reported in the literature in individuals affected with RYR1-related conditions. For these reasons, this variant has been classified as Pathogenic. This variant disrupts a region of the RYR1 protein in which other variant(s) (p.Gly705Arg) have been determined to be pathogenic (PMID: 27616680). This suggests that this is a clinically significant region of the protein, and that variants that disrupt it are likely to be disease-causing.

Literature cited by the submitters: PubMed 27616680.